The following is an entry in ClinVar:

NM_001849.4(COL6A2):c.1572+2dup

Gene: COL6A2 (collagen type VI alpha 2 chain; plus strand). Cytogenetic location: 21q22.3.
Variant type: Duplication.
Coding change: c.1572+2dup on transcript NM_001849.4 (MANE Select); the canonical splice donor site of the intron after coding-DNA position 1572, one base duplicated (T; older notation c.1572+2dupT).
Molecular consequence: splice donor variant.
Genome position (GRCh38, 1-based): chr21:46,122,160, T duplicated. VCF-style (leftmost placement, unchanged base first): chr21-46122159-G-GT. GRCh37 (hg19) VCF-style: chr21-47542073-G-GT.
Other names: c.1572+2dup (NM_058175.3, NM_058174.3).
Identifiers: ClinVar variation 596083 (VCV000596083.6), dbSNP rs1568935182, ClinGen allele CA913190451.

ClinVar aggregate classification (germline): Conflicting classifications of pathogenicity. Review status: criteria provided, conflicting classifications (1 of 4 stars). 2 submissions from 2 submitters: Pathogenic (1); Uncertain significance (1). Last evaluated 2026-04-01.

Submissions (2):

GeneDx
Classification: Pathogenic. Last evaluated: 2026-04-01. Review status: criteria provided, single submitter. Criteria: GeneDx Variant Classification Process June 2021. Collection method: clinical testing. Allele origin: germline.
Comment: Canonical splice site variant predicted to result in an in-frame loss of the adjacent exon in a gene for which loss of function is a known mechanism of disease; Not observed at significant frequency in large population cohorts (gnomAD); Deletions involving coding exons of this gene are a known mechanism of disease (HGMD); Has not been previously published as pathogenic or benign to our knowledge; This variant is associated with the following publications: (PMID: 17785673)

Eurofins Ntd Llc (ga)
Classification: Uncertain significance. Last evaluated: 2018-02-20. Review status: criteria provided, single submitter. Criteria: EGL ClinVar v180209 classification definitions. Collection method: clinical testing. Allele origin: germline. Observed: 1 variant allele, 1 heterozygote.